The following is an entry in ClinVar:

ClinVar aggregate classification (germline): Uncertain significance. Review status: criteria provided, single submitter (1 of 4 stars). 2 submissions from 2 submitters: Uncertain significance (1). 1 of the submissions does not count toward it. Last evaluated 2021-09-02.

Conditions:
Autosomal recessive limb-girdle muscular dystrophy type 2D (LGMDR3). Also called: MUSCULAR DYSTROPHY, LIMB-GIRDLE, AUTOSOMAL RECESSIVE 3; DUCHENNE-LIKE AUTOSOMAL RECESSIVE MUSCULAR DYSTROPHY, TYPE 2; ADHALINOPATHY, PRIMARY. Identifiers: Orphanet 62, MedGen C2936332, MONDO:0011968, OMIM 608099. Disease mechanism: Affects gamma-sarcoglycan and also disrupts the integrity of the entire sarcoglycan complex..

Submissions (2):

Labcorp Genetics (formerly Invitae), Labcorp
Classification: Uncertain significance for Autosomal recessive limb-girdle muscular dystrophy type 2D. Last evaluated: 2021-09-02. Review status: criteria provided, single submitter. Criteria: Invitae Variant Classification Sherloc (09022015). Collection method: clinical testing. Allele origin: germline.
Comment: This sequence change replaces leucine with valine at codon 18 of the SGCA protein (p.Leu18Val). The leucine residue is moderately conserved and there is a small physicochemical difference between leucine and valine. This variant is not present in population databases (ExAC no frequency). This variant has not been reported in the literature in individuals affected with SGCA-related conditions. Algorithms developed to predict the effect of missense changes on protein structure and function (SIFT, PolyPhen-2, Align-GVGD) all suggest that this variant is likely to be tolerated. In summary, the available evidence is currently insufficient to determine the role of this variant in disease. Therefore, it has been classified as a Variant of Uncertain Significance.

Natera, Inc.
Classification: Uncertain significance for Limb-girdle muscular dystrophy type 2D. Last evaluated: 2020-01-17. Review status: no assertion criteria provided. Collection method: clinical testing. Allele origin: germline. Not counted in ClinVar's aggregate classification.

NM_000023.4(SGCA):c.52C>G (p.Leu18Val)

Gene: SGCA (sarcoglycan alpha; plus strand). Cytogenetic location: 17q21.33.
Variant type: single nucleotide variant.
Coding change: c.52C>G on transcript NM_000023.4 (MANE Select); coding-DNA position 52, C replaced by G.
Protein change: p.Leu18Val; replaces leucine 18 with valine.
Molecular consequence: missense variant. On other transcripts: non-coding transcript variant (1).
Genome position (GRCh38, 1-based): chr17:50,167,382, C>G. VCF-style: chr17-50167382-C-G. GRCh37 (hg19) VCF-style: chr17-48244743-C-G.
Other names: c.52C>G, p.Leu18Val (NM_001135697.3); short protein forms L18V.
Identifiers: ClinVar variation 471334 (VCV000471334.3), dbSNP rs1555568100, ClinGen allele CA400176338.